The following is an entry in ClinVar:

NM_001388492.1(HTT):c.8279C>T (p.Ala2760Val)

Gene: HTT (huntingtin; plus strand). Cytogenetic location: 4p16.3.
Variant type: single nucleotide variant.
Coding change: c.8279C>T on transcript NM_001388492.1 (MANE Select); coding-DNA position 8279, C replaced by T.
Protein change: p.Ala2760Val; replaces alanine 2760 with valine.
Molecular consequence: missense variant.
Genome position (GRCh38, 1-based): chr4:3,233,176, C>T. VCF-style: chr4-3233176-C-T. GRCh37 (hg19) VCF-style: chr4-3234903-C-T.
Other names: c.8285C>T, p.Ala2762Val (NM_002111.8); short protein forms A2760V, A2762V.
Identifiers: ClinVar variation 1423665 (VCV001423665.6), dbSNP rs780508928, ClinGen allele CA2825656.

ClinVar aggregate classification (germline): Uncertain significance (1 of 4 stars; one submission).

Allele frequency attached by ClinVar (database versions not stated): TOPMed below 0.00001; ExAC 0.00001; gnomAD exomes 0.00001.
gnomAD v4.1: 9 of 1,587,440 alleles (0.00057%); highest among the groups gnomAD compares: East Asian, 0.0045%; no homozygotes.

Submission:

Labcorp Genetics (formerly Invitae), Labcorp
Classification: Uncertain significance. Last evaluated: 2024-07-08. Review status: criteria provided, single submitter. Criteria: Invitae Variant Classification Sherloc (09022015). Collection method: clinical testing. Allele origin: germline.
Comment: This sequence change replaces alanine, which is neutral and non-polar, with valine, which is neutral and non-polar, at codon 2762 of the HTT protein (p.Ala2762Val). This variant is present in population databases (rs780508928, gnomAD 0.02%). This variant has not been reported in the literature in individuals affected with HTT-related conditions. ClinVar contains an entry for this variant (Variation ID: 1423665). Experimental studies and prediction algorithms are not available or were not evaluated, and the functional significance of this variant is currently unknown. In summary, the available evidence is currently insufficient to determine the role of this variant in disease. Therefore, it has been classified as a Variant of Uncertain Significance.